The following is an entry in ClinVar:

NM_018230.3(NUP133):c.182G>A (p.Arg61Gln)

Genes: NUP133 (nucleoporin 133; minus strand), LOC129932732 (ATAC-STARR-seq lymphoblastoid silent region 1931; plus strand). Cytogenetic location: 1q42.13.
Variant type: single nucleotide variant.
Coding change: c.182G>A on transcript NM_018230.3 (MANE Select); coding-DNA position 182, G replaced by A.
Protein change: p.Arg61Gln; replaces arginine 61 with glutamine.
Molecular consequence: missense variant.
Genome position (GRCh38, 1-based): chr1:229,508,068, C>T on the plus strand (G>A on the coding strand, the complement: NUP133 is on the minus strand). VCF-style: chr1-229508068-C-T. GRCh37 (hg19) VCF-style: chr1-229643815-C-T.
Other names: p.Arg61Gln; c.182G>A (NM_018230.2); short protein forms R61Q.
Identifiers: ClinVar variation 2071585 (VCV002071585.7), dbSNP rs147969588, ClinGen allele CA1443923.

ClinVar aggregate classification (germline): Likely benign. Review status: criteria provided, multiple submitters, no conflicts (2 of 4 stars). 3 submissions from 3 submitters: Likely benign (3). Last evaluated 2025-11-10.

Conditions:
NUP133-related disorder. Also called: NUP133-related condition.

Allele frequency attached by ClinVar (database versions not stated): gnomAD exomes 0.00006; ExAC 0.00023; TOPMed 0.00082; gnomAD 0.00086; ESP Exome Variant Server 0.00092; 1000 Genomes Project 30x 0.00141; 1000 Genomes Project 0.00160.
gnomAD v4.1: 212 of 1,488,204 alleles (0.014%); highest among the groups gnomAD compares: African/African-American, 0.26%; no homozygotes.

Submissions (5):

Labcorp Genetics (formerly Invitae), Labcorp
Classification: Likely benign. Last evaluated: 2025-11-10. Review status: criteria provided, single submitter. Criteria: Invitae Variant Classification Sherloc (09022015). Collection method: clinical testing. Allele origin: germline.

PreventionGenetics, part of Exact Sciences
Classification: Likely benign for NUP133-related condition. Last evaluated: 2025-07-29. Review status: criteria provided, single submitter. Criteria: ACMG Guidelines, 2015. Collection method: clinical testing. Allele origin: germline.
Comment: This variant is classified as likely benign based on ACMG/AMP sequence variant interpretation guidelines (Richards et al. 2015 PMID: 25741868, with internal and published modifications).

Mayo Clinic Laboratories, Mayo Clinic
Classification: Likely benign. Last evaluated: 2025-02-10. Review status: criteria provided, single submitter. Criteria: ACMG Guidelines, 2015. Collection method: clinical testing. Allele origin: germline. Observed: 1 variant allele.
Comment: BS1, BP4_moderate

Dr. Peter K. Rogan Lab, Western University
No classification provided (evidence only). Condition: Colon adenocarcinoma. Review status: no classification provided. Collection method: in vitro. Allele origin: not applicable. Functional consequence: retained intron. Not counted in ClinVar's aggregate classification.

Dr. Peter K. Rogan Lab, Western University
No classification provided (evidence only). Condition: Thymoma. Review status: no classification provided. Collection method: in vitro. Allele origin: not applicable. Functional consequence: retained intron. Not counted in ClinVar's aggregate classification.